The following is an entry in ClinVar:

ClinVar aggregate classification (germline): Uncertain significance (1 of 4 stars; one submission).

Conditions:
Polycystic kidney disease 2 (PKD2). Also called: Polycystic Kidney Disease 2, Autosomal Dominant; POLYCYSTIC KIDNEY DISEASE, ADULT, TYPE II; POLYCYSTIC KIDNEY DISEASE 2 WITH OR WITHOUT POLYCYSTIC LIVER DISEASE. Identifiers: MedGen C2751306, MONDO:0013131, OMIM 613095.

Submission:

Victorian Clinical Genetics Services, Murdoch Childrens Research Institute
Classification: Uncertain significance for Polycystic kidney disease 2. Last evaluated: 2023-12-20. Review status: criteria provided, single submitter. Criteria: ACMG Guidelines, 2015. Collection method: clinical testing. Allele origin: germline. Inheritance: Autosomal dominant inheritance. Affected: yes.
Comment: Based on the classification scheme VCGS_Germline_v1.3.4, this variant is classified as VUS - 3B. Following criteria are met: 0102 - Loss of function is a known mechanism of disease in this gene and is associated with polycystic kidney disease 2 (MIM#613095). (I) 0107 - This gene is associated with autosomal dominant disease. (I) 0200 - Variant is predicted to result in a missense amino acid change from isoleucine to phenylalanine. (I) 0251 - This variant is heterozygous. (I) 0301 - Variant is absent from gnomAD (both v2 and v3). (SP) 0309 - An alternative amino acid change at the same position has been observed in gnomAD (v2) (3 heterozygotes, 0 homozygotes). (I) 0502 - Missense variant with conflicting in silico predictions and uninformative conservation. (I) 0600 - Variant is located in the annotated polycystin domain (DECIPHER). (I) 0705 - No comparable missense variants have previous evidence for pathogenicity. (I) 0807 - This variant has no previous evidence of pathogenicity. (I) 0905 - No published segregation evidence has been identified for this variant. (I) 1007 - No published functional evidence has been identified for this variant. (I) 1208 - Inheritance information for this variant is not currently available in this individual. (I) Legend: (SP) - Supporting pathogenic, (I) - Information, (SB) - Supporting benign

NM_000297.4(PKD2):c.997A>T (p.Ile333Phe)

Gene: PKD2 (polycystin 2, transient receptor potential cation channel; plus strand). Cytogenetic location: 4q22.1.
Variant type: single nucleotide variant.
Coding change: c.997A>T on transcript NM_000297.4 (MANE Select); coding-DNA position 997, A replaced by T.
Protein change: p.Ile333Phe; replaces isoleucine 333 with phenylalanine.
Molecular consequence: missense variant. On other transcripts: non-coding transcript variant (1).
Genome position (GRCh38, 1-based): chr4:88,038,404, A>T. VCF-style: chr4-88038404-A-T. GRCh37 (hg19) VCF-style: chr4-88959556-A-T.
Other names: short protein forms I333F.
Identifiers: ClinVar variation 3254865 (VCV003254865.1), dbSNP rs753075558.